The following is an entry in ClinVar:

NM_001572.5(IRF7):c.1216G>A (p.Asp406Asn)

Gene: IRF7 (interferon regulatory factor 7; minus strand). Cytogenetic location: 11p15.5.
Variant type: single nucleotide variant.
Coding change: c.1216G>A on transcript NM_001572.5 (MANE Select); coding-DNA position 1216, G replaced by A.
Protein change: p.Asp406Asn; replaces aspartic acid 406 with asparagine.
Molecular consequence: missense variant.
Genome position (GRCh38, 1-based): chr11:613,227, C>T on the plus strand (G>A on the coding strand, the complement: IRF7 is on the minus strand). VCF-style: chr11-613227-C-T. GRCh37 (hg19) VCF-style: chr11-613227-C-T.
Other names: c.1129G>A, p.Asp377Asn (NM_004029.4); c.1255G>A, p.Asp419Asn (NM_004031.4); c.1255G>A (NM_004031.2); short protein forms D406N, D377N, D419N.
Identifiers: ClinVar variation 1988958 (VCV001988958.6), dbSNP rs757383689, ClinGen allele CA5783548.

ClinVar aggregate classification (germline): Uncertain significance. Review status: criteria provided, single submitter (1 of 4 stars). 2 submissions from 2 submitters: Uncertain significance (1). 1 of the submissions does not count toward it. Last evaluated 2025-08-21.

Conditions:
IRF7-related disorder. Also called: IRF7-related condition.
Immunodeficiency 39 (IMD39). Identifiers: Orphanet 574918, MedGen C4225358, MONDO:0014597, OMIM 616345.

Allele frequency attached by ClinVar (database versions not stated): gnomAD 0.00001; TOPMed 0.00001; ExAC 0.00002.

Submissions (2):

Labcorp Genetics (formerly Invitae), Labcorp
Classification: Uncertain significance for Immunodeficiency 39. Last evaluated: 2025-08-21. Review status: criteria provided, single submitter. Criteria: Invitae Variant Classification Sherloc (09022015). Collection method: clinical testing. Allele origin: germline.
Comment: This sequence change replaces aspartic acid, which is acidic and polar, with asparagine, which is neutral and polar, at codon 419 of the IRF7 protein (p.Asp419Asn). This variant is present in population databases (rs757383689, gnomAD 0.003%). This variant has not been reported in the literature in individuals affected with IRF7-related conditions. ClinVar contains an entry for this variant (Variation ID: 1988958). Invitae Evidence Modeling of protein sequence and biophysical properties (such as structural, functional, and spatial information, amino acid conservation, physicochemical variation, residue mobility, and thermodynamic stability) indicates that this missense variant is not expected to disrupt IRF7 protein function with a negative predictive value of 80%. In summary, the available evidence is currently insufficient to determine the role of this variant in disease. Therefore, it has been classified as a Variant of Uncertain Significance.

PreventionGenetics, part of Exact Sciences
Classification: Uncertain significance for IRF7-related condition. Last evaluated: 2023-11-30. Review status: no assertion criteria provided. Collection method: clinical testing. Allele origin: germline. Not counted in ClinVar's aggregate classification.
Comment: The IRF7 c.1255G>A variant is predicted to result in the amino acid substitution p.Asp419Asn. To our knowledge, this variant has not been reported in the literature. This variant is reported in 0.0032% of alleles in individuals of Latino descent in gnomAD. At this time, the clinical significance of this variant is uncertain due to the absence of conclusive functional and genetic evidence.